The following is an entry in ClinVar:

ClinVar aggregate classification (germline): Likely benign (1 of 4 stars; one submission).

Conditions:
SLCO1B3-related disorder. Also called: SLCO1B3-related condition.

gnomAD v4.1: 172 of 1,590,244 alleles (0.011%); highest among the groups gnomAD compares: South Asian, 0.071%; no homozygotes.

Submission:

PreventionGenetics, part of Exact Sciences
Classification: Likely benign for SLCO1B3-related condition. Last evaluated: 2025-06-24. Review status: criteria provided, single submitter. Criteria: ACMG Guidelines, 2015. Collection method: clinical testing. Allele origin: germline.
Comment: This variant is classified as likely benign based on ACMG/AMP sequence variant interpretation guidelines (Richards et al. 2015 PMID: 25741868, with internal and published modifications).

NM_019844.4(SLCO1B3):c.628+5C>T

Genes: SLCO1B3 (solute carrier organic anion transporter family member 1B3; plus strand), SLCO1B3-SLCO1B7 (SLCO1B3-SLCO1B7 readthrough; plus strand). Cytogenetic location: 12p12.2.
Variant type: single nucleotide variant.
Coding change: c.628+5C>T on transcript NM_019844.4 (MANE Select); 5 bases into the intron after coding-DNA position 628, C replaced by T.
Molecular consequence: intron variant.
Genome position (GRCh38, 1-based): chr12:20,862,563, C>T. VCF-style: chr12-20862563-C-T. GRCh37 (hg19) VCF-style: chr12-21015497-C-T.
Other names: c.544+5C>T (NM_001349920.2); c.628+5C>T (NM_001371097.1).
Identifiers: ClinVar variation 4980878 (VCV004980878.1).